The following is an entry in ClinVar:

NM_000518.5(HBB):c.73G>A (p.Gly25Ser)

Genes: HBB (hemoglobin subunit beta; minus strand), LOC106099062 (HBB recombination region; plus strand), LOC107133510 (origin of replication at HBB; plus strand). Cytogenetic location: 11p15.4.
Variant type: single nucleotide variant.
Coding change: c.73G>A on transcript NM_000518.5 (MANE Select); coding-DNA position 73, G replaced by A.
Protein change: p.Gly25Ser; replaces glycine 25 with serine.
Molecular consequence: missense variant.
Genome position (GRCh38, 1-based): chr11:5,226,949, C>T on the plus strand (G>A on the coding strand, the complement: HBB is on the minus strand). VCF-style: chr11-5226949-C-T. GRCh37 (hg19) VCF-style: chr11-5248179-C-T.
Other names: short protein forms G25S.
Identifiers: ClinVar variation 3907482 (VCV003907482.1).
Genomic context (GRCh38, chr11:5,226,949, plus strand): 5'-TATTGGTCTCCTTAAACCTGTCTTGTAACCTTGATACCAACCTGCCCAGGGCCTCACCAC[C>T]AACTTCATCCACGTTCACCTTGCCCCACAGGGCAGTAACGGCAGACTTCTCCTCAGGAGT-3'
Protein context (NP_000509.1, residues 15-35): LWGKVNVDEV[Gly25Ser]GEALGRLLVV

ClinVar aggregate classification (germline): Uncertain significance (1 of 4 stars; one submission).

Submission:

Women's Health and Genetics/Laboratory Corporation of America, LabCorp
Classification: Uncertain significance. Last evaluated: 2025-06-02. Review status: criteria provided, single submitter. Criteria: LabCorp Variant Classification Summary - May 2015. Collection method: clinical testing. Allele origin: germline.
Comment: Variant summary: HBB c.73G>A (p.Gly25Ser) results in a non-conservative amino acid change in the encoded protein sequence. Algorithms developed to predict the effect of missense changes on protein structure and function all suggest that this variant is likely to be disruptive. The variant was absent in 251294 control chromosomes. The available data on variant occurrences in the general population are insufficient to allow any conclusion about variant significance. To our knowledge, no occurrence of c.73G>A in individuals affected with Beta Thalassemia and no experimental evidence demonstrating its impact on protein function have been reported. No submitters have cited clinical-significance assessments for this variant to ClinVar. Based on the evidence outlined above, the variant was classified as uncertain significance.